The following is an entry in ClinVar:

NM_013382.7(POMT2):c.1106G>A (p.Arg369His)

Gene: POMT2 (protein O-mannosyltransferase 2; minus strand). Cytogenetic location: 14q24.3.
Variant type: single nucleotide variant.
Coding change: c.1106G>A on transcript NM_013382.7 (MANE Select); coding-DNA position 1106, G replaced by A.
Protein change: p.Arg369His; replaces arginine 369 with histidine.
Molecular consequence: missense variant.
Genome position (GRCh38, 1-based): chr14:77,296,174, C>T on the plus strand (G>A on the coding strand, the complement: POMT2 is on the minus strand). VCF-style: chr14-77296174-C-T. GRCh37 (hg19) VCF-style: chr14-77762517-C-T.
Identifiers: ClinVar variation 95532 (VCV000095532.9), dbSNP rs398124260, ClinGen allele CA223060.

ClinVar aggregate classification (germline): Uncertain significance. Review status: criteria provided, multiple submitters, no conflicts (2 of 4 stars). 3 submissions from 3 submitters: Uncertain significance (3). Last evaluated 2022-09-13.

Conditions:
Muscular dystrophy-dystroglycanopathy (congenital with brain and eye anomalies), type A2. Also called: WALKER-WARBURG SYNDROME OR MUSCLE-EYE-BRAIN DISEASE, POMT2-RELATED; MUSCULAR DYSTROPHY-DYSTROGLYCANOPATHY (CONGENITAL WITH BRAIN AND EYE ANOMALIES), TYPE A, 2. Identifiers: Orphanet 588, Orphanet 899, MedGen C3150411, MONDO:0013154, OMIM 613150.
Muscular dystrophy-dystroglycanopathy (congenital with impaired intellectual development), type B, 2. Also called: MUSCULAR DYSTROPHY, CONGENITAL, POMT2-RELATED; Muscular dystrophy-dystroglycanopathy (congenital with intellectual disability), type B2. Identifiers: MedGen C3150416, MONDO:0013160, OMIM 613156.
Autosomal recessive limb-girdle muscular dystrophy type 2N. Also called: MUSCULAR DYSTROPHY-DYSTROGLYCANOPATHY, LIMB-GIRDLE, POMT2-RELATED; Muscular dystrophy-dystroglycanopathy (limb-girdle), type C, 2. Identifiers: Orphanet 206559, MedGen C3150418, MONDO:0013162, OMIM 613158.
Muscular dystrophy-dystroglycanopathy (congenital with brain and eye anomalies), type A1 (MDDGA1). Also called: COD-MD SYNDROME; WALKER-WARBURG SYNDROME OR MUSCLE-EYE-BRAIN DISEASE, POMT1-RELATED; Hydrocephalus, agyria and retinal dysplasia; Hard +/- E syndrome; Warburg syndrome; Chemke syndrome. Identifiers: Orphanet 588, Orphanet 899, MedGen C4284790, MONDO:0009364, OMIM 236670.

Allele frequency attached by ClinVar (database versions not stated): gnomAD 0.00004 and 0.00005; gnomAD exomes 0.00004 and 0.00009; 1000 Genomes Project 0.00020; TOPMed 0.00006; ExAC 0.00018; 1000 Genomes Project 30x 0.00031.
gnomAD v4.1: 63 of 1,602,262 alleles (0.0039%); highest among the groups gnomAD compares: East Asian, 0.04%; no homozygotes.

Submissions (3):

Labcorp Genetics (formerly Invitae), Labcorp
Classification: Uncertain significance for Muscular dystrophy-dystroglycanopathy (congenital with impaired intellectual development), type B, 2; Muscular dystrophy-dystroglycanopathy (congenital with brain and eye anomalies), type A2; Autosomal recessive limb-girdle muscular dystrophy type 2N. Last evaluated: 2022-09-13. Review status: criteria provided, single submitter. Criteria: Invitae Variant Classification Sherloc (09022015). Collection method: clinical testing. Allele origin: germline.
Comment: This sequence change replaces arginine, which is basic and polar, with histidine, which is basic and polar, at codon 369 of the POMT2 protein (p.Arg369His). This variant is present in population databases (rs398124260, gnomAD 0.1%). This missense change has been observed in individual(s) with muscular dystrophy-dystroglycanopathy (PMID: 32494558). It has also been observed to segregate with disease in related individuals. ClinVar contains an entry for this variant (Variation ID: 95532). Advanced modeling of protein sequence and biophysical properties (such as structural, functional, and spatial information, amino acid conservation, physicochemical variation, residue mobility, and thermodynamic stability) performed at Invitae indicates that this missense variant is not expected to disrupt POMT2 protein function. In summary, the available evidence is currently insufficient to determine the role of this variant in disease. Therefore, it has been classified as a Variant of Uncertain Significance.

Fulgent Genetics
Classification: Uncertain significance for Muscular dystrophy-dystroglycanopathy (congenital with brain and eye anomalies), type A1; Muscular dystrophy-dystroglycanopathy (congenital with brain and eye anomalies), type A2; Muscular dystrophy-dystroglycanopathy (congenital with impaired intellectual development), type B, 2; Autosomal recessive limb-girdle muscular dystrophy type 2N. Last evaluated: 2021-08-20. Review status: criteria provided, single submitter. Criteria: ACMG Guidelines, 2015. Collection method: clinical testing. Allele origin: unknown.

Eurofins Ntd Llc (ga)
Classification: Uncertain significance. Last evaluated: 2015-02-05. Review status: criteria provided, single submitter. Criteria: EGL Classification Definitions 2015. Collection method: clinical testing. Allele origin: germline. Observed: 2 variant alleles, 2 heterozygotes.

Literature cited by the submitters: PubMed 32494558 (cited by Labcorp Genetics (formerly Invitae), Labcorp).